The following is an entry in ClinVar:

NM_001844.5(COL2A1):c.3139G>A (p.Gly1047Ser)

Gene: COL2A1 (collagen type II alpha 1 chain; minus strand). Cytogenetic location: 12q13.11.
Variant type: single nucleotide variant.
Coding change: c.3139G>A on transcript NM_001844.5 (MANE Select); coding-DNA position 3139, G replaced by A.
Protein change: p.Gly1047Ser; replaces glycine 1047 with serine.
Molecular consequence: missense variant.
Genome position (GRCh38, 1-based): chr12:47,977,626, C>T on the plus strand (G>A on the coding strand, the complement: COL2A1 is on the minus strand). VCF-style: chr12-47977626-C-T. GRCh37 (hg19) VCF-style: chr12-48371409-C-T.
Other names: c.2932G>A, p.Gly978Ser (NM_033150.3); short protein forms G1047S, G978S.
Identifiers: ClinVar variation 439511 (VCV000439511.11), dbSNP rs1555165245, ClinGen allele CA384540546.
Genomic context (GRCh38, chr12:47,977,626, plus strand): 5'-CAACCCACTGCACACACAGACACCAGACACTCACCTTGACTCCAGCAGCGCCATCTCTGC[C>T]AGGGGGGCCATCAGCACCGGGGCTTCCCTGGACAAAGTGAAACAAGAATGCACTTAGAGC-3'
Protein context (NP_001835.3, residues 1037-1057): EGSPGADGPP[Gly1047Ser]RDGAAGVKGD

ClinVar aggregate classification (germline): Likely pathogenic. Review status: criteria provided, multiple submitters, no conflicts (2 of 4 stars). 2 submissions from 2 submitters: Likely pathogenic (2). Last evaluated 2019-08-30.

Conditions:
Achondrogenesis type II (ACG2). Also called: CHONDROGENESIS IMPERFECTA; ACHONDROGENESIS, LANGER-SALDINO TYPE. Identifiers: Orphanet 932, Orphanet 93296, MedGen C0220685, MONDO:0008702, OMIM 200610.

Submissions (2):

Centre for Mendelian Genomics, University Medical Centre Ljubljana
Classification: Likely pathogenic for Achondrogenesis type II. Last evaluated: 2019-08-30. Review status: criteria provided, single submitter. Criteria: ACMG Guidelines, 2015. Collection method: clinical testing. Allele origin: unknown. Affected: yes.
Comment: This variant was classified as: Likely pathogenic. The following ACMG criteria were applied in classifying this variant: PM1,PM2,PP3,PP4,PP5.

ARUP Laboratories, Molecular Genetics and Genomics, ARUP Laboratories
Classification: Likely pathogenic. Last evaluated: 2017-01-06. Review status: criteria provided, single submitter. Criteria: ARUP Molecular Germline Variant Investigation Process. Collection method: clinical testing. Allele origin: germline.